The following is an entry in ClinVar:

NM_001366521.1(ATP2B1):c.2470G>A (p.Glu824Lys)

Gene: ATP2B1 (ATPase plasma membrane Ca2+ transporting 1; minus strand). Cytogenetic location: 12q21.33.
Variant type: single nucleotide variant.
Coding change: c.2470G>A on transcript NM_001366521.1 (MANE Select); coding-DNA position 2470, G replaced by A.
Protein change: p.Glu824Lys; replaces glutamic acid 824 with lysine.
Molecular consequence: missense variant.
Genome position (GRCh38, 1-based): chr12:89,604,319, C>T on the plus strand (G>A on the coding strand, the complement: ATP2B1 is on the minus strand). VCF-style: chr12-89604319-C-T. GRCh37 (hg19) VCF-style: chr12-89998096-C-T.
Other names: c.2470G>A, p.Glu824Lys (NM_001001323.2, NM_001366520.1, NM_001366522.1 and 8 more transcripts); c.2272G>A, p.Glu758Lys (NM_001366530.1); c.1909G>A, p.Glu637Lys (NM_001366531.1, NM_001366532.1); short protein forms E637K, E758K, E824K.
Identifiers: ClinVar variation 1679163 (VCV001679163.1), dbSNP rs2135949570, ClinGen allele CA386004336.

ClinVar aggregate classification (germline): Likely pathogenic (1 of 4 stars; one submission).

Conditions:
Neurodevelopmental disorder. Identifiers: MedGen C1535926, MeSH D065886, MONDO:0700092.

Submission:

Institute of Human Genetics, University of Leipzig Medical Center
Classification: Likely pathogenic for Neurodevelopmental disorder. Last evaluated: 2022-04-11. Review status: criteria provided, single submitter. Criteria: ACMG Guidelines, 2015. Collection method: clinical testing. Allele origin: de novo. Affected: yes.
Comment: This variant was identified as de novo (maternity and paternity confirmed)._x000D_ Criteria applied: PS2_MOD, PS3_SUP, PM2_SUP, PP2, PP3

Literature cited by the submitters: PubMed 35358416.